The following is an entry in ClinVar:

NM_004714.3(DYRK1B):c.1404C>T (p.Ser468=)

Gene: DYRK1B (dual specificity tyrosine phosphorylation regulated kinase 1B; minus strand). Cytogenetic location: 19q13.2.
Variant type: single nucleotide variant.
Coding change: c.1404C>T on transcript NM_004714.3 (MANE Select); coding-DNA position 1404, C replaced by T.
Protein change: p.Ser468=; no amino-acid change (serine 468 retained).
Molecular consequence: synonymous variant.
Genome position (GRCh38, 1-based): chr19:39,826,679, G>A on the plus strand (C>T on the coding strand, the complement: DYRK1B is on the minus strand). VCF-style: chr19-39826679-G-A. GRCh37 (hg19) VCF-style: chr19-40317319-G-A.
Other names: c.1284C>T, p.Ser428= (NM_006483.3); c.1320C>T, p.Ser440= (NM_006484.3).
Identifiers: ClinVar variation 3031494 (VCV003031494.2), dbSNP rs2514828062, ClinGen allele CA507447365.

ClinVar aggregate classification (germline): Likely benign (0 of 4 stars; one submission).

Conditions:
DYRK1B-related disorder. Also called: DYRK1B-related condition.

Submission:

PreventionGenetics, part of Exact Sciences
Classification: Likely benign for DYRK1B-related condition. Last evaluated: 2021-01-04. Review status: no assertion criteria provided. Collection method: clinical testing. Allele origin: germline.
Comment: This variant is classified as likely benign based on ACMG/AMP sequence variant interpretation guidelines (Richards et al. 2015 PMID: 25741868, with internal and published modifications).